The following is an entry in ClinVar:

ClinVar aggregate classification (germline): Benign/Likely benign. Review status: criteria provided, multiple submitters, no conflicts (2 of 4 stars). 5 submissions from 5 submitters: Benign (1); Likely benign (4). Last evaluated 2025-08-18.

Conditions:
Platelet-type bleeding disorder 9 (BDPLT9). Also called: GLYCOPROTEIN Ia DEFICIENCY; GP Ia DEFICIENCY; COLLAGEN PLATELET RECEPTOR DEFICIENCY. Identifiers: Orphanet 73271, Orphanet 98886, MedGen C3280114, MONDO:0013622, OMIM 614200.

Allele frequency attached by ClinVar (database versions not stated): 1000 Genomes Project 30x 0.00109; gnomAD 0.00117 and 0.00123; 1000 Genomes Project 0.00120; TOPMed 0.00141; gnomAD exomes 0.00146 and 0.00176; ExAC 0.00171; ESP Exome Variant Server 0.00177.
gnomAD v4.1: 2,347 of 1,604,560 alleles (0.15%); highest among the groups gnomAD compares: Middle Eastern, 0.98%; 15 homozygotes.

Submissions (5):

Genomic Medicine Center of Excellence, King Faisal Specialist Hospital and Research Centre
Classification: Likely benign. Last evaluated: 2025-08-18. Review status: criteria provided, single submitter. Criteria: ACMG Guidelines, 2015. Collection method: clinical testing. Allele origin: germline.

Blueprint Genetics
Classification: Likely benign. Last evaluated: 2024-11-01. Review status: criteria provided, single submitter. Criteria: ACMG Guidelines, 2015. Collection method: clinical testing. Allele origin: germline.

Labcorp Genetics (formerly Invitae), Labcorp
Classification: Likely benign. Last evaluated: 2019-12-31. Review status: criteria provided, single submitter. Criteria: Invitae Variant Classification Sherloc (09022015). Collection method: clinical testing. Allele origin: germline.

Illumina Laboratory Services, Illumina
Classification: Benign for Platelet-type bleeding disorder 9. Last evaluated: 2018-01-13. Review status: criteria provided, single submitter. Criteria: ICSL Variant Classification Criteria 13 December 2019. Collection method: clinical testing. Allele origin: germline.
Comment: This variant was observed in the ICSL laboratory as part of a predisposition screen in an ostensibly healthy population. It had not been previously curated by ICSL or reported in the Human Gene Mutation Database (HGMD: prior to June 1st, 2018), and was therefore a candidate for classification through an automated scoring system. Utilizing variant allele frequency, disease prevalence and penetrance estimates, and inheritance mode, an automated score was calculated to assess if this variant is too frequent to cause the disease. Based on the score and internal cut-off values, a variant classified as benign is not then subjected to further curation. The score for this variant resulted in a classification of benign for this disease.

Breakthrough Genomics
Classification: Likely benign. Review status: criteria provided, single submitter. Criteria: ACMG Guidelines, 2015. Collection method: not provided. Allele origin: germline. Inheritance: Unknown mechanism. Affected: yes.

NM_002203.4(ITGA2):c.3154A>T (p.Thr1052Ser)

Gene: ITGA2 (integrin subunit alpha 2; plus strand). Cytogenetic location: 5q11.2.
Variant type: single nucleotide variant.
Coding change: c.3154A>T on transcript NM_002203.4 (MANE Select); coding-DNA position 3154, A replaced by T.
Protein change: p.Thr1052Ser; replaces threonine 1052 with serine.
Molecular consequence: missense variant. On other transcripts: non-coding transcript variant (5).
Genome position (GRCh38, 1-based): chr5:53,083,349, A>T. VCF-style: chr5-53083349-A-T. GRCh37 (hg19) VCF-style: chr5-52379179-A-T.
Other names: short protein forms T1052S.
Identifiers: ClinVar variation 353778 (VCV000353778.12), dbSNP rs150997093, ClinGen allele CA3263435.